The following is an entry in ClinVar:

ClinVar aggregate classification (germline): Uncertain significance. Review status: criteria provided, multiple submitters, no conflicts (2 of 4 stars). 3 submissions from 3 submitters: Uncertain significance (2). 1 of the submissions does not count toward it. Last evaluated 2025-06-30.

Conditions:
Inborn genetic diseases. Identifiers: MedGen C0950123, MeSH D030342.
Fanconi anemia (FA). Also called: Fanconi's anemia. Identifiers: Orphanet 84, MedGen C0015625, MeSH D005199, MONDO:0019391.

Submissions (3):

Ambry Genetics
Classification: Uncertain significance for Inborn genetic diseases. Last evaluated: 2025-06-30. Review status: criteria provided, single submitter. Criteria: Ambry Variant Classification Scheme 2023. Collection method: clinical testing. Allele origin: germline.
Comment: The p.Q676H variant (also known as c.2028G>C), located in coding exon 23 of the FANCA gene, results from a G to C substitution at nucleotide position 2028. The glutamine at codon 676 is replaced by histidine, an amino acid with highly similar properties. This amino acid position is conserved. In addition, this alteration is predicted to be tolerated by in silico analysis. Based on the available evidence, the clinical significance of this variant remains unclear.

Labcorp Genetics (formerly Invitae), Labcorp
Classification: Uncertain significance for Fanconi anemia. Last evaluated: 2021-03-13. Review status: criteria provided, single submitter. Criteria: Invitae Variant Classification Sherloc (09022015). Collection method: clinical testing. Allele origin: germline.
Comment: In summary, the available evidence is currently insufficient to determine the role of this variant in disease. Therefore, it has been classified as a Variant of Uncertain Significance. Algorithms developed to predict the effect of missense changes on protein structure and function output the following: SIFT: "Deleterious"; PolyPhen-2: "Benign"; Align-GVGD: "Class C0". The histidine amino acid residue is found in multiple mammalian species, suggesting that this missense change does not adversely affect protein function. These predictions have not been confirmed by published functional studies and their clinical significance is uncertain. This variant has not been reported in the literature in individuals with FANCA-related conditions. This variant is not present in population databases (ExAC no frequency). This sequence change replaces glutamine with histidine at codon 676 of the FANCA protein (p.Gln676His). The glutamine residue is highly conserved and there is a small physicochemical difference between glutamine and histidine.

Natera, Inc.
Classification: Uncertain significance for Fanconi anemia. Last evaluated: 2020-11-06. Review status: no assertion criteria provided. Collection method: clinical testing. Allele origin: germline. Not counted in ClinVar's aggregate classification.

NM_000135.4(FANCA):c.2028G>C (p.Gln676His)

Gene: FANCA (FA complementation group A; minus strand). Cytogenetic location: 16q24.3.
Variant type: single nucleotide variant.
Coding change: c.2028G>C on transcript NM_000135.4 (MANE Select); coding-DNA position 2028, G replaced by C.
Protein change: p.Gln676His; replaces glutamine 676 with histidine.
Molecular consequence: missense variant.
Genome position (GRCh38, 1-based): chr16:89,771,801, C>G on the plus strand (G>C on the coding strand, the complement: FANCA is on the minus strand). VCF-style: chr16-89771801-C-G. GRCh37 (hg19) VCF-style: chr16-89838209-C-G.
Other names: c.2028G>C (NM_000135.2); c.2028G>C, p.Gln676His (NM_001286167.3); short protein forms Q676H.
Identifiers: ClinVar variation 1002362 (VCV001002362.12), dbSNP rs2039336156, ClinGen allele CA397448709.
Genomic context (GRCh38, chr16:89,771,801, plus strand): 5'-GCTGCTGTCATCCTCATTGTGGCCCAGGACAGCCCTCAGTCTTTCAGAAATCACTGCCAC[C>G]TGTGCCGATATAACTGCGAAGGAAGAAACTAGTTAGGGATGACAAGAACCCCGAAAGGAG-3'
Protein context (NP_000126.2, residues 666-686): DPSQRDVISA[Gln676His]VAVISERLRA